The following is an entry in ClinVar:

NM_002473.6(MYH9):c.4859A>G (p.Lys1620Arg)

Gene: MYH9 (myosin heavy chain 9; minus strand). Cytogenetic location: 22q12.3.
Variant type: single nucleotide variant.
Coding change: c.4859A>G on transcript NM_002473.6 (MANE Select); coding-DNA position 4859, A replaced by G.
Protein change: p.Lys1620Arg; replaces lysine 1620 with arginine.
Molecular consequence: missense variant.
Genome position (GRCh38, 1-based): chr22:36,288,325, T>C on the plus strand (A>G on the coding strand, the complement: MYH9 is on the minus strand). VCF-style: chr22-36288325-T-C. GRCh37 (hg19) VCF-style: chr22-36684371-T-C.
Other names: short protein forms K1620R.
Identifiers: ClinVar variation 4823765 (VCV004823765.4).

ClinVar aggregate classification (germline): Uncertain significance (1 of 4 stars; one submission).

gnomAD v4.1: 5 of 1,614,086 alleles (0.00031%); highest among the groups gnomAD compares: Non-Finnish European, 0.00042%; no homozygotes.

Submission:

CeGaT Center for Human Genetics Tuebingen
Classification: Uncertain significance. Last evaluated: 2026-03-01. Review status: criteria provided, single submitter. Criteria: CeGaT Center For Human Genetics Tuebingen Variant Classification Criteria Version 2. Collection method: clinical testing. Allele origin: germline. Affected: yes. Observed: 1 variant allele.
Comment: MYH9: PM2:Supporting, BP4